The following is an entry in ClinVar:

NM_020376.4(PNPLA2):c.1353C>A (p.Asn451Lys)

Gene: PNPLA2 (patatin like domain 2, triacylglycerol lipase; plus strand). Cytogenetic location: 11p15.5.
Variant type: single nucleotide variant.
Coding change: c.1353C>A on transcript NM_020376.4 (MANE Select); coding-DNA position 1353, C replaced by A.
Protein change: p.Asn451Lys; replaces asparagine 451 with lysine.
Molecular consequence: missense variant.
Genome position (GRCh38, 1-based): chr11:824,700, C>A. VCF-style: chr11-824700-C-A. GRCh37 (hg19) VCF-style: chr11-824700-C-A.
Other names: c.1353C>A (NM_020376.3); short protein forms N451K.
Identifiers: ClinVar variation 1438313 (VCV001438313.7), dbSNP rs1034910696, ClinGen allele CA216972285.

ClinVar aggregate classification (germline): Uncertain significance. Review status: criteria provided, multiple submitters, no conflicts (2 of 4 stars). 2 submissions from 2 submitters: Uncertain significance (2). Last evaluated 2025-11-05.

Conditions:
Neutral lipid storage myopathy (NLSDM). Also called: NEUTRAL LIPID STORAGE DISEASE WITHOUT ICHTHYOSIS. Identifiers: Orphanet 98908, MedGen C1853136, MONDO:0012545, OMIM 610717.
Inborn genetic diseases. Identifiers: MedGen C0950123, MeSH D030342.

Allele frequency attached by ClinVar (database versions not stated): TOPMed 0.00002.

Submissions (2):

Ambry Genetics
Classification: Uncertain significance for Inborn genetic diseases. Last evaluated: 2025-11-05. Review status: criteria provided, single submitter. Criteria: Ambry Variant Classification Scheme 2023. Collection method: clinical testing. Allele origin: germline.

Labcorp Genetics (formerly Invitae), Labcorp
Classification: Uncertain significance for Neutral lipid storage myopathy. Last evaluated: 2021-09-14. Review status: criteria provided, single submitter. Criteria: Invitae Variant Classification Sherloc (09022015). Collection method: clinical testing. Allele origin: germline.
Comment: Algorithms developed to predict the effect of missense changes on protein structure and function are either unavailable or do not agree on the potential impact of this missense change (SIFT: "Tolerated"; PolyPhen-2: "Probably Damaging"; Align-GVGD: "Class C0"). In summary, the available evidence is currently insufficient to determine the role of this variant in disease. Therefore, it has been classified as a Variant of Uncertain Significance. Algorithms developed to predict the effect of sequence changes on RNA splicing suggest that this variant may create or strengthen a splice site. This variant has not been reported in the literature in individuals affected with PNPLA2-related conditions. This variant is not present in population databases (ExAC no frequency). This sequence change replaces asparagine with lysine at codon 451 of the PNPLA2 protein (p.Asn451Lys). The asparagine residue is highly conserved and there is a moderate physicochemical difference between asparagine and lysine.